The following is an entry in ClinVar:

NM_000245.4(MET):c.2730+1G>A

Gene: MET (MET proto-oncogene, receptor tyrosine kinase; plus strand). Cytogenetic location: 7q31.2.
Variant type: single nucleotide variant.
Coding change: c.2730+1G>A on transcript NM_000245.4 (MANE Select); the canonical splice donor site of the intron after coding-DNA position 2730, G replaced by A.
Molecular consequence: splice donor variant. On other transcripts: missense variant (1).
Genome position (GRCh38, 1-based): chr7:116,769,792, G>A. VCF-style: chr7-116769792-G-A. GRCh37 (hg19) VCF-style: chr7-116409846-G-A.
Other names: c.2731G>A, p.Val911Met (NM_001324401.3); c.2784+1G>A (NM_001127500.3); c.1440+1G>A (NM_001324402.2); short protein forms V911M.
Identifiers: ClinVar variation 2761433 (VCV002761433.3), dbSNP rs2116984731, ClinGen allele CA368985900.

ClinVar aggregate classification (germline): Uncertain significance (1 of 4 stars; one submission).

Conditions:
Renal cell carcinoma. Identifiers: Orphanet 217071, MedGen C0007134, MeSH D002292, MONDO:0005086, HP:0005584.

Submission:

Labcorp Genetics (formerly Invitae), Labcorp
Classification: Uncertain significance for Renal cell carcinoma. Last evaluated: 2023-09-19. Review status: criteria provided, single submitter. Criteria: Invitae Variant Classification Sherloc (09022015). Collection method: clinical testing. Allele origin: germline.
Comment: In summary, the available evidence is currently insufficient to determine the role of this variant in disease. Therefore, it has been classified as a Variant of Uncertain Significance. Algorithms developed to predict the effect of sequence changes on RNA splicing suggest that this variant may disrupt the consensus splice site. This variant has not been reported in the literature in individuals affected with MET-related conditions. This variant is not present in population databases (gnomAD no frequency). This sequence change affects a donor splice site in intron 12 of the MET gene. It is expected to disrupt RNA splicing. Variants that disrupt the donor or acceptor splice site typically lead to a loss of protein function (PMID: 16199547), however the current clinical and genetic evidence is not sufficient to establish whether loss-of-function variants in MET cause disease.

Literature cited by the submitters: PubMed 16199547.